The following is an entry in ClinVar:

ClinVar aggregate classification (germline): Benign/Likely benign. Review status: criteria provided, multiple submitters, no conflicts (2 of 4 stars). 8 submissions from 8 submitters: Benign (5); Likely benign (3). Last evaluated 2025-12-26.

Conditions:
Hereditary spherocytosis type 1. Also called: Spherocytosis type 1; ANK1-Related Spherocytosis. Identifiers: Orphanet 822, MedGen C2674218, MONDO:0008447, OMIM 182900.

Allele frequency attached by ClinVar (database versions not stated): gnomAD exomes 0.00123 and 0.00353; ExAC 0.00451; gnomAD 0.01323 and 0.01414; TOPMed 0.01493; ESP Exome Variant Server 0.01515; 1000 Genomes Project 0.01538; 1000 Genomes Project 30x 0.01702.
gnomAD v4.1: 3,867 of 1,614,146 alleles (0.24%); highest among the groups gnomAD compares: African/African-American, 4.5%; 86 homozygotes.

Submissions (8):

Labcorp Genetics (formerly Invitae), Labcorp
Classification: Benign. Last evaluated: 2025-12-26. Review status: criteria provided, single submitter. Criteria: Invitae Variant Classification Sherloc (09022015). Collection method: clinical testing. Allele origin: germline.

Mayo Clinic Laboratories, Mayo Clinic
Classification: Likely benign. Last evaluated: 2025-10-28. Review status: criteria provided, single submitter. Criteria: ACMG Guidelines, 2015. Collection method: clinical testing. Allele origin: germline. Observed: 59 variant alleles.
Comment: BS1, BS2, BP4

ARUP Laboratories, Molecular Genetics and Genomics, ARUP Laboratories
Classification: Benign for Hereditary spherocytosis type 1. Last evaluated: 2025-05-07. Review status: criteria provided, single submitter. Criteria: ARUP Molecular Germline Variant Investigation Process 2024. Collection method: clinical testing. Allele origin: germline.

CeGaT Center for Human Genetics Tuebingen
Classification: Benign. Last evaluated: 2024-07-01. Review status: criteria provided, single submitter. Criteria: CeGaT Center For Human Genetics Tuebingen Variant Classification Criteria Version 2. Collection method: clinical testing. Allele origin: germline. Affected: yes. Observed: 2 variant alleles.
Comment: ANK1: BP4, BS1, BS2

Genome-Nilou Lab
Classification: Benign for Hereditary spherocytosis type 1. Last evaluated: 2021-12-05. Review status: criteria provided, single submitter. Criteria: ACMG Guidelines, 2015. Collection method: clinical testing. Allele origin: germline. Affected: no.

Illumina Laboratory Services, Illumina
Classification: Likely benign for Hereditary spherocytosis type 1. Last evaluated: 2017-04-27. Review status: criteria provided, single submitter. Criteria: ICSL Variant Classification Criteria 13 December 2019. Collection method: clinical testing. Allele origin: germline.
Comment: This variant was observed as part of a predisposition screen in an ostensibly healthy population. A literature search was performed for the gene, cDNA change, and amino acid change (where applicable). No publications were found based on this search. Allele frequency data from public databases allowed determination this variant is unlikely to cause disease. Therefore, this variant is classified as likely benign.

Breakthrough Genomics
Classification: Likely benign. Review status: criteria provided, single submitter. Criteria: ACMG Guidelines, 2015. Collection method: not provided. Allele origin: germline. Inheritance: Autosomal dominant inheritance. Affected: yes.

PreventionGenetics, part of Exact Sciences
Classification: Benign. Review status: criteria provided, single submitter. Criteria: ACMG Guidelines, 2015. Collection method: clinical testing. Allele origin: germline.

NM_000037.4(ANK1):c.3224C>T (p.Thr1075Ile)

Gene: ANK1 (ankyrin 1; minus strand). Cytogenetic location: 8p11.21.
Variant type: single nucleotide variant.
Coding change: c.3224C>T on transcript NM_000037.4 (MANE Select); coding-DNA position 3224, C replaced by T.
Protein change: p.Thr1075Ile; replaces threonine 1075 with isoleucine.
Molecular consequence: missense variant.
Genome position (GRCh38, 1-based): chr8:41,694,695, G>A on the plus strand (C>T on the coding strand, the complement: ANK1 is on the minus strand). VCF-style: chr8-41694695-G-A. GRCh37 (hg19) VCF-style: chr8-41552213-G-A.
Other names: c.3347C>T, p.Thr1116Ile (NM_001142446.2); c.3224C>T, p.Thr1075Ile (NM_020475.3, NM_020476.3, NM_020477.3); short protein forms T1075I, T1116I.
Identifiers: ClinVar variation 261305 (VCV000261305.57), dbSNP rs35213384, ClinGen allele CA4727941.
Genomic context (GRCh38, chr8:41,694,695, plus strand): 5'-AACGTTGCCTGTACCAGGGGCACCAGCTTGCTCTTCAGGGAGCCCCCTTCGGGACCGATG[G>A]TGTCGTAGTCCTGGCAGAGCCGTGACATGATCACGAAGTACAGCGGGAAGTCGGTGGTGA-3'
Protein context (NP_000028.3, residues 1065-1085): IMSRLCQDYD[Thr1075Ile]IGPEGGSLKS